The following is an entry in ClinVar:

ClinVar aggregate classification (germline): Uncertain significance (1 of 4 stars; one submission).

Conditions:
Cardiovascular phenotype. Identifiers: MedGen CN230736.

Submission:

Ambry Genetics
Classification: Uncertain significance for Cardiovascular phenotype. Last evaluated: 2025-12-26. Review status: criteria provided, single submitter. Criteria: Ambry Variant Classification Scheme 2023. Collection method: clinical testing. Allele origin: germline.
Comment: The p.L537V variant (also known as c.1609C>G), located in coding exon 11 of the SCN10A gene, results from a C to G substitution at nucleotide position 1609. The leucine at codon 537 is replaced by valine, an amino acid with highly similar properties. This amino acid position is conserved. In addition, this alteration is predicted to be tolerated by in silico analysis. Based on the available evidence, the clinical significance of this variant remains unclear.

NM_006514.4(SCN10A):c.1609C>G (p.Leu537Val)

Gene: SCN10A (sodium voltage-gated channel alpha subunit 10; minus strand). Cytogenetic location: 3p22.2.
Variant type: single nucleotide variant.
Coding change: c.1609C>G on transcript NM_006514.4 (MANE Select); coding-DNA position 1609, C replaced by G.
Protein change: p.Leu537Val; replaces leucine 537 with valine.
Molecular consequence: missense variant. On other transcripts: intron variant (1).
Genome position (GRCh38, 1-based): chr3:38,752,365, G>C on the plus strand (C>G on the coding strand, the complement: SCN10A is on the minus strand). VCF-style: chr3-38752365-G-C. GRCh37 (hg19) VCF-style: chr3-38793856-G-C.
Other names: c.1609C>G, p.Leu537Val (NM_001293306.2); c.1462-2181C>G (NM_001293307.2); short protein forms L537V.
Identifiers: ClinVar variation 4841929 (VCV004841929.1).